The following is an entry in ClinVar:

ClinVar aggregate classification (germline): Likely pathogenic (1 of 4 stars; one submission).

Conditions:
Duchenne muscular dystrophy (DMD). Also called: Duchenne Muscular Dystrophy (DMD); MUSCULAR DYSTROPHY, PSEUDOHYPERTROPHIC PROGRESSIVE, DUCHENNE TYPE. Identifiers: Orphanet 98896, MedGen C0013264, MONDO:0010679, OMIM 310200.

Submission:

3billion
Classification: Likely pathogenic for Duchenne muscular dystrophy. Last evaluated: 2024-03-08. Review status: criteria provided, single submitter. Criteria: ACMG Guidelines, 2015. Collection method: clinical testing. Allele origin: germline. Affected: yes.
Comment: The variant is not observed in the gnomAD v2.1.1 dataset. Predicted Consequence/Location: Stop-gained (nonsense): predicted to result in a loss or disruption of normal protein function through nonsense-mediated decay (NMD) or protein truncation. Multiple pathogenic variants are reported downstream of the variant. Therefore, this variant is classified as Likely pathogenic according to the recommendation of ACMG/AMP guideline.

NM_004006.3(DMD):c.520_527del (p.Ile173_His174insTer)

Gene: DMD (dystrophin; minus strand). Cytogenetic location: Xp21.1.
Variant type: Deletion.
Coding change: c.520_527del on transcript NM_004006.3 (MANE Select); coding-DNA positions 520 to 527, 8 bases deleted (CATAGTCA; older notation c.520_527delCATAGTCA).
Protein change: p.Ile173_His174insTer.
Molecular consequence: nonsense.
Genome position (GRCh38, 1-based): chrX:32,816,471-32,816,478, TGACTATG deleted on the plus strand (CATAGTCA on the coding strand, the reverse complement: DMD is on the minus strand). VCF-style (leftmost placement, unchanged base first): chrX-32816470-ATGACTATG-A. GRCh37 (hg19) VCF-style: chrX-32834587-ATGACTATG-A.
Other names: c.496_503del, p.Ile165_His166insTer (NM_000109.4); c.508_515del, p.Ile169_His170insTer (NM_004009.3); c.151_158del, p.Ile50_His51insTer (NM_004010.3).
Identifiers: ClinVar variation 3775726 (VCV003775726.1).